The following continues an entry in ClinVar:

NM_000478.6(ALPL):c.881A>C (p.Asp294Ala)

Gene: ALPL. ClinVar aggregate classification (germline): Pathogenic. Pathogenic (17).

Submissions 11 to 20 of 20:

ARUP Laboratories, Molecular Genetics and Genomics, ARUP Laboratories
Classification: Pathogenic. Last evaluated: 2023-11-07. Review status: criteria provided, single submitter. Criteria: ARUP Molecular Germline Variant Investigation Process 2024. Collection method: clinical testing. Allele origin: germline.
Comment: The ALPL c.881A>C; p.Asp294Ala variant, also known as Asp277Ala in legacy nomenclature, is reported in the compound heterozygous state in several individuals with hypophosphatasia (Henthorn 1992, Sperelakis-Beedham 2021, Warren 2021). The variant is listed as pathogenic by several sources in the ClinVar database (Variation ID: 13664) and is reported in the general population with an overall allele frequency of 0.004% (12/282,262 alleles) in the Genome Aggregation Database. The amino acid at codon 294 is highly conserved and computational analyses predict that this variant is deleterious (REVEL: 0.946). In support of this prediction, functional studies show the variant protein has reduced alkaline phosphatase activity (Del Angel 2020, Fukushi-Irie 2000), folds improperly, and forms protein aggregates in the cell (Fukushi-Irie 2000). Based on available information, this variant is classified as pathogenic. References: Fukushi-Irie M et al. Possible interference between tissue-non-specific alkaline phosphatase with an Arg54-->Cys substitution and acounterpart with an Asp277-->Ala substitution found in a compound heterozygote associated with severe hypophosphatasia. Biochem J. 2000 Jun 15;348 Pt 3(Pt 3):633-42. PMID: 10839996. Henthorn PS et al. Different missense mutations at the tissue-nonspecific alkaline phosphatase gene locus in autosomal recessively inherited forms of mild and severe hypophosphatasia. Proc Natl Acad Sci U S A. 1992 Oct 15;89(20):9924-8. PMID: 1409720. Sperelakis-Beedham B et al. Utility of genetic testing for prenatal presentations of hypophosphatasia. Mol Genet Metab. 2021 Mar;132(3):198-203. PMID: 33549410. Warren AM et al Bilateral atypical femoral fractures during denosumab therapy in a patient with adult-onset hypophosphatasia. Endocrinol Diabetes Metab Case Rep. 2021 Sep 1;2021:21-0096. PMID: 34515659.

Genetics and Molecular Pathology, SA Pathology
Classification: Pathogenic for Hypophosphatasia. Last evaluated: 2021-10-11. Review status: criteria provided, single submitter. Criteria: ACMG Guidelines, 2015. Collection method: clinical testing. Allele origin: germline. Inheritance: Autosomal recessive inheritance. Affected: yes.

Blueprint Genetics
Classification: Pathogenic for ALPL-related disorders. Last evaluated: 2020-03-03. Review status: criteria provided, single submitter. Criteria: ACMG Guidelines, 2015. Collection method: clinical testing. Allele origin: germline. Affected: yes. Observed: 4 variant alleles.

Genome Diagnostics Laboratory, The Hospital for Sick Children
Classification: Pathogenic for Osteogenesis imperfecta. Last evaluated: 2020-03-01. Review status: criteria provided, single submitter. Criteria: ACMG Guidelines, 2015. Collection method: clinical testing. Allele origin: germline.

Women's Health and Genetics/Laboratory Corporation of America, LabCorp
Classification: Pathogenic for Hypophosphatasia. Last evaluated: 2016-05-19. Review status: criteria provided, single submitter. Criteria: LabCorp Variant Classification Summary - May 2015. Collection method: clinical testing. Allele origin: germline.
Comment: Variant summary: The ALPL c.881A>C (p.Asp294Ala) variant involves the alteration of a conserved nucleotide. 4/4 in silico tools predict a damaging outcome for this variant (SNPs&GO not captured due to low reliability index). This variant was found in 2/119828 control chromosomes at a frequency of 0.0000167, which does not exceed the estimated maximal expected allele frequency of a pathogenic ALPL variant (0.0035355). The variant was found in multiple affected individuals with established dx hypophosphatasia with significantly reduced enzymatic activity. In addition, one reputable database classified this variant as pathogenic. Taken together, this variant is classified as pathogenic.

Center for Pediatric Genomic Medicine, Children's Mercy Hospital and Clinics
Classification: Pathogenic. Last evaluated: 2014-12-30. Review status: criteria provided, single submitter. Criteria: ACMG Guidelines, 2015. Collection method: clinical testing. Allele origin: germline.

Seattle Children's Hospital Molecular Genetics Laboratory, Seattle Children's Hospital
Classification: Pathogenic for Childhood hypophosphatasia. Review status: criteria provided, single submitter. Criteria: ACMG Guidelines, 2015. Collection method: clinical testing. Allele origin: germline. Affected: yes.
Comment: The p.Asp294Ala variant results in the substitution of a highly conserved aspartic acid with alanine at amino acid position 294 of the ALPL protein (also referred to as p.Asp277Ala in some literature). This variant is present in large population databases (186 of 1,613,606 alleles, no homozygotes gnomADv4.1.0). Functional studies have shown that this variant has reduced activity (PMID: 10839996, PMID: 32160374). It does not have a significant dominant-negative effect (Del Angel et al., 2020). The p.Asp294Ala variant has been reported in multiple individuals affected with hypophosphatasia, the majority of whom were found to carry a second variant pathogenic ALPL variant, consistent with autosomal recessive inheritance (PMID: 1409720, PMID: 15694177, PMID: 22397652, PMID: 25731960). In some individuals with hypophosphatasia who are heterozygous for this variant, a second ALPL variant was not identified (PMID: 25731960, PMID: 36444396). One study of individuals heterozygous for this variant found that while the majority had related findings (low alkaline phosphatase, bone disease), none carried a clinical diagnosis of hypophosphatasia (PMID: 32803091).

OMIM
Classification: Pathogenic for HYPOPHOSPHATASIA, INFANTILE. Last evaluated: 1992-10-15. Review status: no assertion criteria provided. Collection method: literature only. Allele origin: germline. Not counted in ClinVar's aggregate classification.

OMIM
Classification: Pathogenic for HYPOPHOSPHATASIA, CHILDHOOD. Last evaluated: 1992-10-15. Review status: no assertion criteria provided. Collection method: literature only. Allele origin: germline. Not counted in ClinVar's aggregate classification.

OMIM
Classification: Pathogenic for HYPOPHOSPHATASIA, ADULT. Last evaluated: 1992-10-15. Review status: no assertion criteria provided. Collection method: literature only. Allele origin: germline. Not counted in ClinVar's aggregate classification.

Literature cited by the submitters: PubMed 1409720 (cited by 5 submitters); PubMed 15694177 (cited by Labcorp Genetics (formerly Invitae), Labcorp and Genomenon, Inc); PubMed 19335222 (cited by Labcorp Genetics (formerly Invitae), Labcorp and Genomenon, Inc); PubMed 22397652 (cited by Labcorp Genetics (formerly Invitae), Labcorp and Genomenon, Inc); PubMed 25731960 (cited by 5 submitters); PubMed 10839996 (cited by 3 submitters); PubMed 34000433 (cited by Natera, Inc.); PubMed 37422472 (cited by Natera, Inc.); PubMed 32160374 (cited by 3 submitters); PubMed 32973344 (cited by 3 submitters); PubMed 33549410 (cited by Ambry Genetics and Mayo Clinic Laboratories, Mayo Clinic); PubMed 34515659 (cited by 3 submitters); PubMed 35878747 (cited by Genomenon, Inc); PubMed 11855933 (cited by Genomenon, Inc); PubMed 33579333 (cited by Genomenon, Inc); PubMed 30719581 (cited by Genomenon, Inc); PubMed 18937943 (cited by Genomenon, Inc); PubMed 33814268 (cited by Genomenon, Inc); PubMed 12162492 (cited by Genomenon, Inc); PubMed 32803091 (cited by Mayo Clinic Laboratories, Mayo Clinic); PubMed 34627339 (cited by Mayo Clinic Laboratories, Mayo Clinic); PubMed 34662886 (cited by Mayo Clinic Laboratories, Mayo Clinic); PubMed 36444396 (cited by Mayo Clinic Laboratories, Mayo Clinic).